The following is an entry in ClinVar:

NM_206933.4(USH2A):c.5692G>A (p.Val1898Ile)

Genes: USH2A-AS2 (USH2A antisense RNA 2; plus strand), USH2A (usherin; minus strand). Cytogenetic location: 1q41.
Variant type: single nucleotide variant.
Coding change: c.5692G>A on transcript NM_206933.4 (MANE Select); coding-DNA position 5692, G replaced by A.
Protein change: p.Val1898Ile; replaces valine 1898 with isoleucine.
Molecular consequence: missense variant.
Genome position (GRCh38, 1-based): chr1:216,073,181, C>T on the plus strand (G>A on the coding strand, the complement: USH2A is on the minus strand). VCF-style: chr1-216073181-C-T. GRCh37 (hg19) VCF-style: chr1-216246523-C-T.
Other names: short protein forms V1898I.
Identifiers: ClinVar variation 1381224 (VCV001381224.6), dbSNP rs758808748, ClinGen allele CA1395379.

ClinVar aggregate classification (germline): Uncertain significance (1 of 4 stars; one submission).

Allele frequency attached by ClinVar (database versions not stated): gnomAD exomes below 0.00001; ExAC 0.00001.
gnomAD v4.1: 1 of 1,613,822 alleles (0.000062%); highest among the groups gnomAD compares: Non-Finnish European, 0.000085%; no homozygotes.

Submission:

Labcorp Genetics (formerly Invitae), Labcorp
Classification: Uncertain significance. Last evaluated: 2021-09-15. Review status: criteria provided, single submitter. Criteria: Invitae Variant Classification Sherloc (09022015). Collection method: clinical testing. Allele origin: germline.
Comment: In summary, the available evidence is currently insufficient to determine the role of this variant in disease. Therefore, it has been classified as a Variant of Uncertain Significance. Algorithms developed to predict the effect of missense changes on protein structure and function (SIFT, PolyPhen-2, Align-GVGD) all suggest that this variant is likely to be tolerated. This variant has not been reported in the literature in individuals affected with USH2A-related conditions. This variant is present in population databases (rs758808748, ExAC 0.002%). This sequence change replaces valine with isoleucine at codon 1898 of the USH2A protein (p.Val1898Ile). The valine residue is highly conserved and there is a small physicochemical difference between valine and isoleucine.